The following is an entry in ClinVar:

ClinVar aggregate classification (germline): Likely pathogenic (1 of 4 stars; one submission).

Allele frequency attached by ClinVar (database versions not stated): gnomAD exomes below 0.00001; ExAC 0.00001; gnomAD 0.00001; TOPMed 0.00001.
gnomAD v4.1: 3 of 1,611,302 alleles (0.00019%); highest among the groups gnomAD compares: African/African-American, 0.004%; no homozygotes.

Submission:

Labcorp Genetics (formerly Invitae), Labcorp
Classification: Likely pathogenic. Last evaluated: 2022-11-28. Review status: criteria provided, single submitter. Criteria: Invitae Variant Classification Sherloc (09022015). Collection method: clinical testing. Allele origin: germline.
Comment: In summary, the currently available evidence indicates that the variant is pathogenic, but additional data are needed to prove that conclusively. Therefore, this variant has been classified as Likely Pathogenic. Algorithms developed to predict the effect of sequence changes on RNA splicing suggest that this variant may disrupt the consensus splice site. This variant has not been reported in the literature in individuals affected with NFKB1-related conditions. This variant is present in population databases (rs768059215, gnomAD 0.007%). This sequence change affects an acceptor splice site in intron 3 of the NFKB1 gene. It is expected to disrupt RNA splicing. Variants that disrupt the donor or acceptor splice site typically lead to a loss of protein function (PMID: 16199547), and loss-of-function variants in NFKB1 are known to be pathogenic (PMID: 26279205, 29477724).

Literature cited by the submitters: PubMed 16199547; PubMed 26279205; PubMed 29477724.

NM_003998.4(NFKB1):c.119-1G>C

Gene: NFKB1 (nuclear factor kappa B subunit 1; plus strand). Cytogenetic location: 4q24.
Variant type: single nucleotide variant.
Coding change: c.119-1G>C on transcript NM_003998.4 (MANE Select); the canonical splice acceptor site of the intron before coding-DNA position 119, G replaced by C.
Molecular consequence: splice acceptor variant. On other transcripts: intron variant (4).
Genome position (GRCh38, 1-based): chr4:102,533,844, G>C. VCF-style: chr4-102533844-G-C. GRCh37 (hg19) VCF-style: chr4-103455001-G-C.
Other names: c.119-1G>C (NM_001382626.1, NM_001382625.1); c.119-4G>C (NM_001382627.1, NM_001165412.2, NM_001319226.2); c.80-4G>C (NM_001382628.1).
Identifiers: ClinVar variation 2816990 (VCV002816990.3), dbSNP rs768059215, ClinGen allele CA3025811.
Genomic context (GRCh38, chr4:102,533,844, plus strand): 5'-ATACCAAATTTGAGAAGCCTCACAGTTTCTTTTGGTTTCTGTTTGTTGTTTTTGTTTTTA[G>C]CAGATGGCCCATACCTTCAAATATTAGAGCAACCTAAACAGGTAAGATTAAAGGGGTGGG-3'